The following is an entry in ClinVar:

NM_020686.6(ABAT):c.*1311C>A

Gene: ABAT (4-aminobutyrate aminotransferase; plus strand). Cytogenetic location: 16p13.2.
Variant type: single nucleotide variant.
Coding change: c.*1311C>A on transcript NM_020686.6 (MANE Select); 1311 bases downstream of the stop codon, C replaced by A.
Molecular consequence: 3 prime UTR variant.
Genome position (GRCh38, 1-based): chr16:8,782,741, C>A. VCF-style: chr16-8782741-C-A. GRCh37 (hg19) VCF-style: chr16-8876598-C-A.
Other names: c.*1311C>A (NM_000663.5, NM_001127448.2, NM_001386600.1 and 14 more transcripts); c.*1325C>A (NM_001386609.1, NM_001386616.1).
Identifiers: ClinVar variation 887741 (VCV000887741.4), dbSNP rs532670980, ClinGen allele CA277476783.

ClinVar aggregate classification (germline): Likely benign (1 of 4 stars; one submission).

Conditions:
Gamma-aminobutyric acid transaminase deficiency (GABATD). Also called: GABA transaminase deficiency; Gamma aminobutyrate transaminase deficiency; 4 alpha aminobutyrate transaminase deficiency; GABA aminotransaminase deficiency. Identifiers: Orphanet 2066, MedGen C0342708, MONDO:0013166, OMIM 613163.

Allele frequency attached by ClinVar (database versions not stated): gnomAD 0.00001 and 0.00009; TOPMed 0.00002; 1000 Genomes Project 0.00060; 1000 Genomes Project 30x 0.00062.

Submission:

Illumina Laboratory Services, Illumina
Classification: Likely benign for Gamma-aminobutyric acid transaminase deficiency. Last evaluated: 2018-01-12. Review status: criteria provided, single submitter. Criteria: ICSL Variant Classification Criteria 13 December 2019. Collection method: clinical testing. Allele origin: germline.
Comment: This variant was observed in the ICSL laboratory as part of a predisposition screen in an ostensibly healthy population. It had not been previously curated by ICSL or reported in the Human Gene Mutation Database (HGMD: prior to June 1st, 2018), and was therefore a candidate for classification through an automated scoring system. Utilizing variant allele frequency, disease prevalence and penetrance estimates, and inheritance mode, an automated score was calculated to assess if this variant is too frequent to cause the disease. Based on the score and internal cut-off values, a variant classified as likely benign is not then subjected to further curation. The score for this variant resulted in a classification of likely benign for this disease.